The following is an entry in ClinVar:

ClinVar aggregate classification (germline): Uncertain significance (1 of 4 stars; one submission).

Conditions:
Ehlers-Danlos syndrome, classic type, 1 (EDSCL1). Also called: EHLERS-DANLOS SYNDROME, GRAVIS TYPE; EHLERS-DANLOS SYNDROME, SEVERE CLASSIC TYPE; Ehlers-Danlos syndrome, type 1; EDS I; Ehlers-Danlos Syndrome, Classic Type, COL5A1-Related. Identifiers: MedGen C0268335, MONDO:0019567, OMIM 130000.

Submission:

Labcorp Genetics (formerly Invitae), Labcorp
Classification: Uncertain significance for Ehlers-Danlos syndrome, classic type, 1. Last evaluated: 2022-02-11. Review status: criteria provided, single submitter. Criteria: Invitae Variant Classification Sherloc (09022015). Collection method: clinical testing. Allele origin: germline.
Comment: Variants that disrupt the consensus splice site are a relatively common cause of aberrant splicing (PMID: 17576681, 9536098). Algorithms developed to predict the effect of sequence changes on RNA splicing suggest that this variant is not likely to affect RNA splicing. This variant has not been reported in the literature in individuals affected with COL5A1-related conditions. This variant is not present in population databases (gnomAD no frequency). This sequence change falls in intron 47 of the COL5A1 gene. It does not directly change the encoded amino acid sequence of the COL5A1 protein. It affects a nucleotide within the consensus splice site. In summary, the available evidence is currently insufficient to determine the role of this variant in disease. Therefore, it has been classified as a Variant of Uncertain Significance.

Literature cited by the submitters: PubMed 17576681; PubMed 9536098.

NM_000093.5(COL5A1):c.3744+6T>A

Gene: COL5A1 (collagen type V alpha 1 chain; plus strand). Cytogenetic location: 9q34.3.
Variant type: single nucleotide variant.
Coding change: c.3744+6T>A on transcript NM_000093.5 (MANE Select); 6 bases into the intron after coding-DNA position 3744, T replaced by A.
Molecular consequence: intron variant.
Genome position (GRCh38, 1-based): chr9:134,812,508, T>A. VCF-style: chr9-134812508-T-A. GRCh37 (hg19) VCF-style: chr9-137704354-T-A.
Other names: c.3744+6T>A (NM_001278074.1).
Identifiers: ClinVar variation 2096434 (VCV002096434.4), dbSNP rs2490823128, ClinGen allele CA2580080025.